The following is an entry in ClinVar:

ClinVar aggregate classification (germline): Conflicting classifications of pathogenicity. Review status: criteria provided, conflicting classifications (1 of 4 stars). 2 submissions from 2 submitters: Uncertain significance (1); Likely benign (1). Last evaluated 2025-11-03.

Conditions:
Infantile myofibromatosis (IMF). Also called: Congenital generalized fibromatosis. Identifiers: Orphanet 2591, MedGen C0432284, MONDO:0016824.
Skeletal overgrowth-craniofacial dysmorphism-hyperelastic skin-white matter lesions syndrome. Also called: SKELETAL OVERGROWTH WITH FACIAL DYSMORPHISM, HYPERELASTIC SKIN, WHITE MATTER LESIONS, AND NEUROLOGIC DETERIORATION; Kosaki overgrowth syndrome. Identifiers: Orphanet 477831, MedGen C4225270, MONDO:0014704, OMIM 616592.
Acroosteolysis-keloid-like lesions-premature aging syndrome. Also called: Premature aging syndrome, Penttinen type; Prematurely aged appearance, delayed bone maturation, acro-osteolysis, and brachydactyly; Progeroid syndrome, Penttinen type. Identifiers: Orphanet 363665, MedGen C1866182, MONDO:0011150, OMIM 601812.
Basal ganglia calcification, idiopathic, 4 (PFBC4). Also called: Familial Idiopathic Basal Ganglia Calcification 4; PRIMARY FAMILIAL BRAIN CALCIFICATION 4, AUTOSOMAL DOMINANT. Identifiers: Orphanet 1980, MedGen C3554321, MONDO:0014004, OMIM 615007.

Allele frequency attached by ClinVar (database versions not stated): TOPMed 0.00001; gnomAD exomes 0.00002; ExAC 0.00004; gnomAD 0.00001.
gnomAD v4.1: 31 of 1,558,344 alleles (0.002%); highest among the groups gnomAD compares: East Asian, 0.065%; no homozygotes.

Submissions (2):

Labcorp Genetics (formerly Invitae), Labcorp
Classification: Likely benign for Basal ganglia calcification, idiopathic, 4; Skeletal overgrowth-craniofacial dysmorphism-hyperelastic skin-white matter lesions syndrome; Infantile myofibromatosis; Acroosteolysis-keloid-like lesions-premature aging syndrome. Last evaluated: 2025-11-03. Review status: criteria provided, single submitter. Criteria: Invitae Variant Classification Sherloc (09022015). Collection method: clinical testing. Allele origin: germline.

Women's Health and Genetics/Laboratory Corporation of America, LabCorp
Classification: Uncertain significance. Last evaluated: 2024-12-02. Review status: criteria provided, single submitter. Criteria: LabCorp Variant Classification Summary - May 2015. Collection method: clinical testing. Allele origin: germline.
Comment: Variant summary: PDGFRB c.370A>G (p.Thr124Ala) results in a non-conservative amino acid change located in the Immunoglobulin domain (IPR013783) of the encoded protein sequence. Four of five in-silico tools predict a benign effect of the variant on protein function. The variant allele was found at a frequency of 5.4e-05 in 240114 control chromosomes, predominantly at a frequency of 0.00071 within the East Asian subpopulation in the gnomAD database. This frequency is not significantly higher than estimated for a pathogenic variant in PDGFRB causing PDGFRB-Related Disorders, allowing no conclusion about variant significance. To our knowledge, no occurrence of c.370A>G in individuals affected with PDGFRB-Related Disorders and no experimental evidence demonstrating its impact on protein function have been reported. ClinVar contains an entry for this variant (Variation ID: 2927478). Based on the evidence outlined above, the variant was classified as uncertain significance.

NM_002609.4(PDGFRB):c.370A>G (p.Thr124Ala)

Gene: PDGFRB (platelet derived growth factor receptor beta; minus strand). Cytogenetic location: 5q32.
Variant type: single nucleotide variant.
Coding change: c.370A>G on transcript NM_002609.4 (MANE Select); coding-DNA position 370, A replaced by G.
Protein change: p.Thr124Ala; replaces threonine 124 with alanine.
Molecular consequence: missense variant. On other transcripts: 5 prime UTR variant (1).
Genome position (GRCh38, 1-based): chr5:150,135,011, T>C on the plus strand (A>G on the coding strand, the complement: PDGFRB is on the minus strand). VCF-style: chr5-150135011-T-C. GRCh37 (hg19) VCF-style: chr5-149514574-T-C.
Other names: c.178A>G, p.Thr60Ala (NM_001355016.2); c.-148A>G (NM_001355017.2); short protein forms T124A, T60A.
Identifiers: ClinVar variation 2927478 (VCV002927478.4), dbSNP rs746412703, ClinGen allele CA3508322.